The following is an entry in ClinVar:

ClinVar aggregate classification (germline): Likely benign. Review status: criteria provided, single submitter (1 of 4 stars). 2 submissions from 2 submitters: Likely benign (1). 1 of the submissions does not count toward it. Last evaluated 2022-05-01.

Conditions:
BLTP1-related disorder. Also called: BLTP1-related condition.

Allele frequency attached by ClinVar (database versions not stated): gnomAD exomes 0.00024; ExAC 0.00056; ESP Exome Variant Server 0.00131; gnomAD 0.00168; TOPMed 0.00201; 1000 Genomes Project 0.00240; 1000 Genomes Project 30x 0.00281.
gnomAD v4.1: 623 of 1,611,902 alleles (0.039%); highest among the groups gnomAD compares: African/African-American, 0.57%; 3 homozygotes.

Submissions (2):

CeGaT Center for Human Genetics Tuebingen
Classification: Likely benign. Last evaluated: 2022-05-01. Review status: criteria provided, single submitter. Criteria: CeGaT Center For Human Genetics Tuebingen Variant Classification Criteria Version 2. Collection method: clinical testing. Allele origin: germline. Affected: yes. Observed: 1 variant allele.
Comment: BLTP1: BP4

PreventionGenetics, part of Exact Sciences
Classification: Likely benign for BLTP1-related condition. Last evaluated: 2019-10-14. Review status: no assertion criteria provided. Collection method: clinical testing. Allele origin: germline. Not counted in ClinVar's aggregate classification.
Comment: This variant is classified as likely benign based on ACMG/AMP sequence variant interpretation guidelines (Richards et al. 2015 PMID: 25741868, with internal and published modifications).

NM_001384125.1(BLTP1):c.1918G>A (p.Val640Ile)

Gene: BLTP1 (bridge-like lipid transfer protein family member 1; plus strand). Cytogenetic location: 4q27.
Variant type: single nucleotide variant.
Coding change: c.1918G>A on transcript NM_001384125.1 (MANE Select); coding-DNA position 1918, G replaced by A.
Protein change: p.Val640Ile; replaces valine 640 with isoleucine.
Molecular consequence: missense variant.
Genome position (GRCh38, 1-based): chr4:122,209,324, G>A. VCF-style: chr4-122209324-G-A. GRCh37 (hg19) VCF-style: chr4-123130479-G-A.
Other names: c.1918G>A, p.Val640Ile (NM_015312.4); c.1918G>A (NM_015312.3); short protein forms V640I.
Identifiers: ClinVar variation 2655064 (VCV002655064.25), dbSNP rs72925924, ClinGen allele CA3065760.
Genomic context (GRCh38, chr4:122,209,324, plus strand): 5'-ACTGGTATTCCTGCTGAGTGTCAAAGTGGCCAGAAAACAGTTAAACCAAAATGGCGCAAC[G>A]TTACTCAGGAAAAGTGAGTACGTAAAATTAGTGACACAGGCCAGGCACAGTGGCTCACGC-3'
Protein context (NP_001371054.1, residues 630-650): QKTVKPKWRN[Val640Ile]TQEKSGWVEC